The following is an entry in ClinVar:

ClinVar aggregate classification (germline): Uncertain significance (1 of 4 stars; one submission).

Conditions:
Immunodeficiency 132A. Also called: Herpes simplex encephalitis, susceptibility to, 3. Identifiers: Orphanet 1930, MedGen C3553868, MONDO:0013920, OMIM 614849.

Submission:

Labcorp Genetics (formerly Invitae), Labcorp
Classification: Uncertain significance for Immunodeficiency 132A. Last evaluated: 2024-10-16. Review status: criteria provided, single submitter. Criteria: Invitae Variant Classification Sherloc (09022015). Collection method: clinical testing. Allele origin: germline.
Comment: This sequence change creates a premature translational stop signal (p.Asp324Argfs*11) in the TRAF3 gene. It is expected to result in an absent or disrupted protein product. However, the current clinical and genetic evidence is not sufficient to establish whether loss-of-function variants in TRAF3 cause disease. This variant is not present in population databases (gnomAD no frequency). This variant has not been reported in the literature in individuals affected with TRAF3-related conditions. ClinVar contains an entry for this variant (Variation ID: 1047312). In summary, the available evidence is currently insufficient to determine the role of this variant in disease. Therefore, it has been classified as a Variant of Uncertain Significance.

NM_145725.3(TRAF3):c.969dup (p.Asp324fs)

Gene: TRAF3 (TNF receptor associated factor 3; plus strand). Cytogenetic location: 14q32.32.
Variant type: Duplication.
Coding change: c.969dup on transcript NM_145725.3 (MANE Select); coding-DNA position 969, one base duplicated (A; older notation c.969dupA).
Protein change: p.Asp324fs; shifts the reading frame from aspartic acid 324.
Molecular consequence: frameshift variant.
Genome position (GRCh38, 1-based): chr14:102,903,263, A duplicated. VCF-style (leftmost placement, unchanged base first): chr14-102903262-T-TA. GRCh37 (hg19) VCF-style: chr14-103369599-T-TA.
Other names: c.720dup, p.Asp241fs (NM_001199427.2); c.828dup, p.Asp277fs (NM_001385142.1); c.888dup, p.Asp297fs (NM_001385143.1); c.969dup, p.Asp324fs (NM_003300.4); c.894dup, p.Asp299fs (NM_145726.3); short protein forms D241fs, D277fs, D297fs, D324fs, D299fs.
Identifiers: ClinVar variation 1047312 (VCV001047312.7), dbSNP rs1890396534, ClinGen allele CA2160041489.
Genomic context (GRCh38, chr14:102,903,262, plus strand): 5'-GCATTTTCCGAGTCCTAACTGTGTTTTGCTTTTTAACACCTTTGGTTTGGAAGCGAGTGA[T>TA]AGACAGCCAAGCAGAGAAACTGAAGGAGCTTGACAAGGAGATCCGGCCCTTCCGGCAGAA-3'